The following is an entry in ClinVar:

ClinVar aggregate classification (germline): Uncertain significance (1 of 4 stars; one submission).

gnomAD v4.1: 1 of 1,613,802 alleles (0.000062%); highest among the groups gnomAD compares: African/African-American, 0.0013%; no homozygotes.

Submission:

Ambry Genetics
Classification: Uncertain significance. Last evaluated: 2025-10-21. Review status: criteria provided, single submitter. Criteria: Ambry Variant Classification Scheme 2023. Collection method: clinical testing. Allele origin: germline.
Comment: The p.G510W variant (also known as c.1528G>T), located in coding exon 13 of the GEN1 gene, results from a G to T substitution at nucleotide position 1528. The glycine at codon 510 is replaced by tryptophan, an amino acid with highly dissimilar properties. This amino acid position is conserved. In addition, this alteration is predicted to be tolerated by in silico analysis. Based on the available evidence, the clinical significance of this variant remains unclear.

NM_001130009.3(GEN1):c.1528G>T (p.Gly510Trp)

Gene: GEN1 (GEN1 structure-specific endonuclease; plus strand). Cytogenetic location: 2p24.2.
Variant type: single nucleotide variant.
Coding change: c.1528G>T on transcript NM_001130009.3 (MANE Select); coding-DNA position 1528, G replaced by T.
Protein change: p.Gly510Trp; replaces glycine 510 with tryptophan.
Molecular consequence: missense variant.
Genome position (GRCh38, 1-based): chr2:17,780,740, G>T. VCF-style: chr2-17780740-G-T. GRCh37 (hg19) VCF-style: chr2-17962007-G-T.
Other names: c.1528G>T, p.Gly510Trp (NM_182625.5); short protein forms G510W.
Identifiers: ClinVar variation 4671476 (VCV004671476.1).